The following is an entry in ClinVar:

ClinVar aggregate classification (germline): Pathogenic (1 of 4 stars; one submission).

Conditions:
Neuronal ceroid lipofuscinosis 1 (CLN1). Also called: CEROID LIPOFUSCINOSIS, NEURONAL, 1, VARIABLE AGE AT ONSET; PPT1-Related Neuronal Ceroid-Lipofuscinosis. Identifiers: Orphanet 228329, MedGen C1850451, MONDO:0009744, OMIM 256730.

Submission:

Labcorp Genetics (formerly Invitae), Labcorp
Classification: Pathogenic for Neuronal ceroid lipofuscinosis 1. Last evaluated: 2024-02-13. Review status: criteria provided, single submitter. Criteria: Invitae Variant Classification Sherloc (09022015). Collection method: clinical testing. Allele origin: germline.
Comment: This sequence change affects a donor splice site in intron 1 of the PPT1 gene. It is expected to disrupt RNA splicing. Variants that disrupt the donor or acceptor splice site typically lead to a loss of protein function (PMID: 16199547), and loss-of-function variants in PPT1 are known to be pathogenic (PMID: 10679943, 21990111). This variant is not present in population databases (gnomAD no frequency). Disruption of this splice site has been observed in individual(s) with neuronal ceroid lipofuscinosis (PMID: 17044973). In at least one individual the data is consistent with being in trans (on the opposite chromosome) from a pathogenic variant. Algorithms developed to predict the effect of sequence changes on RNA splicing suggest that this variant may disrupt the consensus splice site. For these reasons, this variant has been classified as Pathogenic.

Literature cited by the submitters: PubMed 16199547; PubMed 10679943; PubMed 21990111; PubMed 17044973.

NM_000310.4(PPT1):c.124+1G>T

Genes: PPT1 (palmitoyl-protein thioesterase 1; minus strand), LOC129930245 (ATAC-STARR-seq lymphoblastoid active region 829; plus strand). Cytogenetic location: 1p34.2.
Variant type: single nucleotide variant.
Coding change: c.124+1G>T on transcript NM_000310.4 (MANE Select); the canonical splice donor site of the intron after coding-DNA position 124, G replaced by T.
Molecular consequence: splice donor variant.
Genome position (GRCh38, 1-based): chr1:40,097,114, C>A on the plus strand (G>T on the coding strand, the complement: PPT1 is on the minus strand). VCF-style: chr1-40097114-C-A. GRCh37 (hg19) VCF-style: chr1-40562786-C-A.
Other names: c.124+1G>T (NM_001142604.2, NM_001363695.2).
Identifiers: ClinVar variation 3707169 (VCV003707169.2).